The following is an entry in ClinVar:

NM_018896.5(CACNA1G):c.6386C>A (p.Pro2129Gln)

Gene: CACNA1G (calcium voltage-gated channel subunit alpha1 G; plus strand). Cytogenetic location: 17q21.33.
Variant type: single nucleotide variant.
Coding change: c.6386C>A on transcript NM_018896.5 (MANE Select); coding-DNA position 6386, C replaced by A.
Protein change: p.Pro2129Gln; replaces proline 2129 with glutamine.
Molecular consequence: missense variant. On other transcripts: non-coding transcript variant (5).
Genome position (GRCh38, 1-based): chr17:50,624,516, C>A. VCF-style: chr17-50624516-C-A. GRCh37 (hg19) VCF-style: chr17-48701877-C-A.
Other names: c.6218C>A, p.Pro2073Gln (NM_198380.3); c.6038C>A, p.Pro2013Gln (NM_198382.3); c.6173C>A, p.Pro2058Gln (NM_198383.3); c.6107C>A, p.Pro2036Gln (NM_198384.3, NM_001256333.2); c.6251C>A, p.Pro2084Gln (NM_198385.3); c.6053C>A, p.Pro2018Gln (NM_198386.3); c.6005C>A, p.Pro2002Gln (NM_198387.3, NM_198376.3, NM_001256329.2); c.5984C>A, p.Pro1995Gln (NM_198388.3); and 16 more; short protein forms P1979Q, P1984Q, P1991Q, P1995Q, P1998Q, P2000Q, P2002Q, P2009Q.
Identifiers: ClinVar variation 2507328 (VCV002507328.4), dbSNP rs916597452, ClinGen allele CA291642734.

ClinVar aggregate classification (germline): Uncertain significance. Review status: criteria provided, multiple submitters, no conflicts (2 of 4 stars). 3 submissions from 3 submitters: Uncertain significance (3). Last evaluated 2025-07-16.

Conditions:
Inborn genetic diseases. Identifiers: MedGen C0950123, MeSH D030342.

Allele frequency attached by ClinVar (database versions not stated): gnomAD exomes below 0.00001; gnomAD 0.00001; TOPMed 0.00001.
gnomAD v4.1: 3 of 1,592,064 alleles (0.00019%); highest among the groups gnomAD compares: African/African-American, 0.0027%; no homozygotes.

Submissions (3):

Ambry Genetics
Classification: Uncertain significance for Inborn genetic diseases. Last evaluated: 2025-07-16. Review status: criteria provided, single submitter. Criteria: Ambry Variant Classification Scheme 2023. Collection method: clinical testing. Allele origin: germline.

GeneDx
Classification: Uncertain significance. Last evaluated: 2024-09-20. Review status: criteria provided, single submitter. Criteria: GeneDx Variant Classification Process June 2021. Collection method: clinical testing. Allele origin: germline. Affected: yes.
Comment: In silico analysis indicates that this missense variant does not alter protein structure/function; Has not been previously published as pathogenic or benign to our knowledge

Women's Health and Genetics/Laboratory Corporation of America, LabCorp
Classification: Uncertain significance. Last evaluated: 2023-11-27. Review status: criteria provided, single submitter. Criteria: LabCorp Variant Classification Summary - May 2015. Collection method: clinical testing. Allele origin: germline.
Comment: Variant summary: CACNA1G c.6386C>A (p.Pro2129Gln) results in a non-conservative amino acid change in the encoded protein sequence. Three of five in-silico tools predict a benign effect of the variant on protein function. The frequency data for this variant in gnomAD is considered unreliable, as metrics indicate poor data quality at this position. To our knowledge, no occurrence of c.6386C>A in individuals affected with Spinocerebellar Ataxia Type 42 and no experimental evidence demonstrating its impact on protein function have been reported. One submitter has cited clinical-significance assessments for this variant to ClinVar after 2014 and has classified the variant as uncertain significance. Based on the evidence outlined above, the variant was classified as uncertain significance.